The following is an entry in ClinVar:

NM_014141.6(CNTNAP2):c.2368C>A (p.Arg790Ser)

Gene: CNTNAP2 (contactin associated protein 2; plus strand). Cytogenetic location: 7q35.
Variant type: single nucleotide variant.
Coding change: c.2368C>A on transcript NM_014141.6 (MANE Select); coding-DNA position 2368, C replaced by A.
Protein change: p.Arg790Ser; replaces arginine 790 with serine.
Molecular consequence: missense variant.
Genome position (GRCh38, 1-based): chr7:147,977,974, C>A. VCF-style: chr7-147977974-C-A. GRCh37 (hg19) VCF-style: chr7-147675066-C-A.
Other names: short protein forms R790S.
Identifiers: ClinVar variation 908534 (VCV000908534.12), dbSNP rs200089329, ClinGen allele CA168795672.

ClinVar aggregate classification (germline): Uncertain significance. Review status: criteria provided, multiple submitters, no conflicts (2 of 4 stars). 2 submissions from 2 submitters: Uncertain significance (2). Last evaluated 2020-09-20.

Conditions:
Cortical dysplasia-focal epilepsy syndrome (PTHSL1). Also called: Pitt-Hopkins-like syndrome 1. Identifiers: Orphanet 163681, Orphanet 221150, MedGen C2750246, MONDO:0012400, OMIM 610042.

Allele frequency attached by ClinVar (database versions not stated): TOPMed 0.00001.
gnomAD v4.1: 4 of 1,613,864 alleles (0.00025%); highest among the groups gnomAD compares: Admixed American, 0.0017%; no homozygotes.

Submissions (2):

Labcorp Genetics (formerly Invitae), Labcorp
Classification: Uncertain significance for Cortical dysplasia-focal epilepsy syndrome. Last evaluated: 2020-09-20. Review status: criteria provided, single submitter. Criteria: Invitae Variant Classification Sherloc (09022015). Collection method: clinical testing. Allele origin: germline.
Comment: Algorithms developed to predict the effect of missense changes on protein structure and function are either unavailable or do not agree on the potential impact of this missense change (SIFT: "Deleterious"; PolyPhen-2: "Benign"; Align-GVGD: "Class C65"). This variant has not been reported in the literature in individuals with CNTNAP2-related conditions. ClinVar contains an entry for this variant (Variation ID: 908534). This variant is not present in population databases (ExAC no frequency). This sequence change replaces arginine with serine at codon 790 of the CNTNAP2 protein (p.Arg790Ser). The arginine residue is highly conserved and there is a moderate physicochemical difference between arginine and serine. In summary, the available evidence is currently insufficient to determine the role of this variant in disease. Therefore, it has been classified as a Variant of Uncertain Significance.

Illumina Laboratory Services, Illumina
Classification: Uncertain significance for Cortical dysplasia-focal epilepsy syndrome. Last evaluated: 2018-01-12. Review status: criteria provided, single submitter. Criteria: ICSL Variant Classification Criteria 13 December 2019. Collection method: clinical testing. Allele origin: germline.